The following is an entry in ClinVar:

NM_018486.3(HDAC8):c.110G>A (p.Arg37Gln)

Gene: HDAC8 (histone deacetylase 8; minus strand). Cytogenetic location: Xq13.1.
Variant type: single nucleotide variant.
Coding change: c.110G>A on transcript NM_018486.3 (MANE Select); coding-DNA position 110, G replaced by A.
Protein change: p.Arg37Gln; replaces arginine 37 with glutamine.
Molecular consequence: missense variant. On other transcripts: non-coding transcript variant (1).
Genome position (GRCh38, 1-based): chrX:72,572,652, C>T on the plus strand (G>A on the coding strand, the complement: HDAC8 is on the minus strand). VCF-style: chrX-72572652-C-T. GRCh37 (hg19) VCF-style: chrX-71792502-C-T.
Other names: c.110G>A, p.Arg37Gln (NM_001166418.2, NM_001166419.2, NM_001166420.2 and 2 more transcripts); short protein forms R37Q.
Identifiers: ClinVar variation 1676874 (VCV001676874.3), dbSNP rs2147618372, ClinGen allele CA413576848.

ClinVar aggregate classification (germline): Pathogenic/Likely pathogenic. Review status: criteria provided, multiple submitters, no conflicts (2 of 4 stars). 2 submissions from 2 submitters: Pathogenic (1); Likely pathogenic (1). Last evaluated 2023-05-19.

Conditions:
Cornelia de Lange syndrome 5 (CDLS5). Also called: HDAC8-Related Cornelia de Lange Syndrome. Identifiers: Orphanet 199, MedGen C3550903, MONDO:0010471, OMIM 300882.

Submissions (2):

Pittsburgh Clinical Genomics Laboratory, University of Pittsburgh Medical Center
Classification: Likely pathogenic for Cornelia de Lange syndrome 5. Last evaluated: 2023-05-19. Review status: criteria provided, single submitter. Criteria: ACMG Guidelines, 2015. Collection method: clinical testing. Allele origin: germline. Inheritance: X-linked dominant inheritance. Affected: yes.
Comment: This sequence variant is a single nucleotide substitution (G>A) at coding nucleotide 110 of the HDAC8 gene that results in an arginine to glutamine amino acid change at residue 37 of the histone deacetylase 8 protein. The Arg37 residue falls in the histone deacetylase catalytic domain which plays a critical role in HDAC8's role in mediating gene expression (PMID: 22889856). This is a previously reported variant (ClinVar) that has been observed as a de novo variant in an individual with Cornelia de Lange syndrome (PMID: 33587123). This variant is absent from the gnomAD control population dataset (0 of approximately 150,000 alleles). The arginine residue is strongly conserved at this position across the vertebrate species examined, and multiple bioinformatic tools predict that this arginine to glutamine amino acid change would be damaging. Studies examining the functiol consequence of this variant have not been published, to our knowledge. Based on this information, we consider this a likely pathogenic variant. ACMG Criteria: PM2, PP3, PP5, PS2

GeneDx
Classification: Pathogenic. Last evaluated: 2022-04-15. Review status: criteria provided, single submitter. Criteria: GeneDx Variant Classification Process June 2021. Collection method: clinical testing. Allele origin: germline. Affected: yes.
Comment: Not observed in large population cohorts (gnomAD); In silico analysis supports that this missense variant has a deleterious effect on protein structure/function; This variant is associated with the following publications: (PMID: 33587123)

Literature cited by the submitters: PubMed 22889856 (cited by Pittsburgh Clinical Genomics Laboratory, University of Pittsburgh Medical Center); PubMed 33587123 (cited by Pittsburgh Clinical Genomics Laboratory, University of Pittsburgh Medical Center).